The following is an entry in ClinVar:

NM_145200.5(CABP4):c.499G>A (p.Glu167Lys)

Gene: CABP4 (calcium binding protein 4; plus strand). Cytogenetic location: 11q13.2.
Variant type: single nucleotide variant.
Coding change: c.499G>A on transcript NM_145200.5 (MANE Select); coding-DNA position 499, G replaced by A.
Protein change: p.Glu167Lys; replaces glutamic acid 167 with lysine.
Molecular consequence: missense variant.
Genome position (GRCh38, 1-based): chr11:67,456,400, G>A. VCF-style: chr11-67456400-G-A. GRCh37 (hg19) VCF-style: chr11-67223871-G-A.
Other names: c.184G>A, p.Glu62Lys (NM_001300895.3, NM_001300896.3, NM_001379183.1); short protein forms E167K, E62K.
Identifiers: ClinVar variation 1017973 (VCV001017973.8), dbSNP rs765171666, ClinGen allele CA6140238.

ClinVar aggregate classification (germline): Uncertain significance (1 of 4 stars; one submission).

Allele frequency attached by ClinVar (database versions not stated): gnomAD exomes below 0.00001; ExAC 0.00001; gnomAD 0.00001; TOPMed 0.00001.
gnomAD v4.1: 6 of 1,612,918 alleles (0.00037%); highest among the groups gnomAD compares: East Asian, 0.0022%; no homozygotes.

Submission:

Labcorp Genetics (formerly Invitae), Labcorp
Classification: Uncertain significance. Last evaluated: 2022-10-05. Review status: criteria provided, single submitter. Criteria: Invitae Variant Classification Sherloc (09022015). Collection method: clinical testing. Allele origin: germline.
Comment: In summary, the available evidence is currently insufficient to determine the role of this variant in disease. Therefore, it has been classified as a Variant of Uncertain Significance. Advanced modeling of protein sequence and biophysical properties (such as structural, functional, and spatial information, amino acid conservation, physicochemical variation, residue mobility, and thermodynamic stability) has been performed at Invitae for this missense variant, however the output from this modeling did not meet the statistical confidence thresholds required to predict the impact of this variant on CABP4 protein function. ClinVar contains an entry for this variant (Variation ID: 1017973). This variant has not been reported in the literature in individuals affected with CABP4-related conditions. This variant is not present in population databases (gnomAD no frequency). This sequence change replaces glutamic acid, which is acidic and polar, with lysine, which is basic and polar, at codon 167 of the CABP4 protein (p.Glu167Lys).